The following is an entry in ClinVar:

ClinVar aggregate classification (germline): Uncertain significance (1 of 4 stars; one submission).

Conditions:
Amyotrophic lateral sclerosis type 6. Also called: FUS-Related Amyotrophic Laterial Sclerosis; AMYOTROPHIC LATERAL SCLEROSIS 6 WITHOUT FRONTOTEMPORAL DEMENTIA; Amyotrophic lateral sclerosis 6, with or without frontotemporal dementia. Identifiers: Orphanet 275872, Orphanet 803, MedGen C2931786, MONDO:0011951, OMIM 608030.
Tremor, hereditary essential, 4 (ETM4). Identifiers: MedGen C3539195, MONDO:0013888, OMIM 614782.

Allele frequency attached by ClinVar (database versions not stated): gnomAD exomes below 0.00001; ExAC 0.00001.

Submission:

Labcorp Genetics (formerly Invitae), Labcorp
Classification: Uncertain significance for Tremor, hereditary essential, 4; Amyotrophic lateral sclerosis type 6. Last evaluated: 2023-04-09. Review status: criteria provided, single submitter. Criteria: Invitae Variant Classification Sherloc (09022015). Collection method: clinical testing. Allele origin: germline.
Comment: This variant has not been reported in the literature in individuals affected with FUS-related conditions. This variant is present in population databases (rs746480508, gnomAD 0.0009%). This variant, c.739_750dup, results in the insertion of 4 amino acid(s) of the FUS protein (p.Gly247_Gly250dup), but otherwise preserves the integrity of the reading frame. In summary, the available evidence is currently insufficient to determine the role of this variant in disease. Therefore, it has been classified as a Variant of Uncertain Significance.

NM_004960.4(FUS):c.739_750dup (p.Gly250_Arg251insGlyArgGlyGly)

Gene: FUS (FUS RNA binding protein; plus strand). Cytogenetic location: 16p11.2.
Variant type: Duplication.
Coding change: c.739_750dup on transcript NM_004960.4 (MANE Select); coding-DNA positions 739 to 750, 12 bases duplicated (GGCCGTGGAGGC).
Protein change: p.Gly250_Arg251insGlyArgGlyGly.
Molecular consequence: inframe insertion. On other transcripts: non-coding transcript variant (1).
Genome position (GRCh38, 1-based): chr16:31,185,154-31,185,165, GGCCGTGGAGGC duplicated. VCF-style (leftmost placement, unchanged base first): chr16-31185153-T-TGGCCGTGGAGGC. GRCh37 (hg19) VCF-style: chr16-31196474-T-TGGCCGTGGAGGC.
Other names: c.736_747dup, p.Gly249_Arg250insGlyArgGlyGly (NM_001170634.1); c.727_738dup, p.Gly246_Arg247insGlyArgGlyGly (NM_001170937.1).
Identifiers: ClinVar variation 2925721 (VCV002925721.3), dbSNP rs746480508, ClinGen allele CA8023776.